The following is an entry in ClinVar:

NM_001098816.3(TENM4):c.440G>A (p.Arg147Gln)

Gene: TENM4 (teneurin transmembrane protein 4; minus strand). Cytogenetic location: 11q14.1.
Variant type: single nucleotide variant.
Coding change: c.440G>A on transcript NM_001098816.3 (MANE Select); coding-DNA position 440, G replaced by A.
Protein change: p.Arg147Gln; replaces arginine 147 with glutamine.
Molecular consequence: missense variant.
Genome position (GRCh38, 1-based): chr11:79,064,791, C>T on the plus strand (G>A on the coding strand, the complement: TENM4 is on the minus strand). VCF-style: chr11-79064791-C-T. GRCh37 (hg19) VCF-style: chr11-78775836-C-T.
Other names: short protein forms R147Q.
Identifiers: ClinVar variation 4593901 (VCV004593901.2).

ClinVar aggregate classification (germline): Conflicting classifications of pathogenicity. Review status: criteria provided, conflicting classifications (1 of 4 stars). 2 submissions from 2 submitters: Uncertain significance (1); Likely benign (1). Last evaluated 2026-08-01.

gnomAD v4.1: 597 of 1,551,634 alleles (0.038%); highest among the groups gnomAD compares: Non-Finnish European, 0.05%; 1 homozygote.

Submissions (2):

CeGaT Center for Human Genetics Tuebingen
Classification: Likely benign. Last evaluated: 2026-08-01. Review status: criteria provided, single submitter. Criteria: CeGaT Center For Human Genetics Tuebingen Variant Classification Criteria Version 2. Collection method: clinical testing. Allele origin: germline. Affected: yes. Observed: 1 variant allele.
Comment: TENM4: BS1

Ambry Genetics
Classification: Uncertain significance. Last evaluated: 2025-09-26. Review status: criteria provided, single submitter. Criteria: Ambry Variant Classification Scheme 2023. Collection method: clinical testing. Allele origin: germline.